The following is an entry in ClinVar:

ClinVar aggregate classification (germline): Uncertain significance (1 of 4 stars; one submission).

Submission:

Labcorp Genetics (formerly Invitae), Labcorp
Classification: Uncertain significance. Last evaluated: 2022-06-29. Review status: criteria provided, single submitter. Criteria: Invitae Variant Classification Sherloc (09022015). Collection method: clinical testing. Allele origin: germline.
Comment: In summary, the available evidence is currently insufficient to determine the role of this variant in disease. Therefore, it has been classified as a Variant of Uncertain Significance. Algorithms developed to predict the effect of missense changes on protein structure and function output the following: SIFT: "Tolerated"; PolyPhen-2: "Benign"; Align-GVGD: "Class C0". The threonine amino acid residue is found in multiple mammalian species, which suggests that this missense change does not adversely affect protein function. This variant has not been reported in the literature in individuals affected with TUB-related conditions. This variant is not present in population databases (gnomAD no frequency). This sequence change replaces alanine, which is neutral and non-polar, with threonine, which is neutral and polar, at codon 286 of the TUB protein (p.Ala286Thr).

NM_177972.3(TUB):c.691G>A (p.Ala231Thr)

Genes: RIC3 (RIC3 acetylcholine receptor chaperone; minus strand), TUB (TUB bipartite transcription factor; plus strand). Cytogenetic location: 11p15.4.
Variant type: single nucleotide variant.
Coding change: c.691G>A on transcript NM_177972.3 (MANE Select); coding-DNA position 691, G replaced by A.
Protein change: p.Ala231Thr; replaces alanine 231 with threonine.
Molecular consequence: missense variant.
Genome position (GRCh38, 1-based): chr11:8,097,231, G>A. VCF-style: chr11-8097231-G-A. GRCh37 (hg19) VCF-style: chr11-8118778-G-A.
Other names: c.856G>A, p.Ala286Thr (NM_003320.5); short protein forms A231T, A286T.
Identifiers: ClinVar variation 2012342 (VCV002012342.4), dbSNP rs2539250857, ClinGen allele CA379568365.
Genomic context (GRCh38, chr11:8,097,231, plus strand): 5'-CCAATTTGGGCTGCTTAGGGTCCTTGGGGCTCAGGCACCTATTCTGCATCCCCATAGGAG[G>A]CAGCCTCAGCCCCTAGCCCAACAGCTCCAGAGCAACCAGTGGACGTTGAGGTCCAGGATC-3'
Protein context (NP_813977.1, residues 221-241): SATSRKSVRE[Ala231Thr]ASAPSPTAPE